The following is an entry in ClinVar:

NM_000384.3(APOB):c.3508+1G>A

Gene: APOB (apolipoprotein B; minus strand). Cytogenetic location: 2p24.1.
Variant type: single nucleotide variant.
Coding change: c.3508+1G>A on transcript NM_000384.3 (MANE Select); the canonical splice donor site of the intron after coding-DNA position 3508, G replaced by A.
Molecular consequence: splice donor variant.
Genome position (GRCh38, 1-based): chr2:21,015,369, C>T on the plus strand (G>A on the coding strand, the complement: APOB is on the minus strand). VCF-style: chr2-21015369-C-T. GRCh37 (hg19) VCF-style: chr2-21238241-C-T.
Identifiers: ClinVar variation 1468789 (VCV001468789.6), dbSNP rs867418897, ClinGen allele CA43513809.
Genomic context (GRCh38, chr2:21,015,369, plus strand): 5'-ACCACAGGTCTCAACACCTGCATTACTTTGGAAGTGCTCACACAGGGGAAGAGACACATA[C>T]CATAATGCCATGCCACCCTCTTGGAAACTGTGGAGCCATAAGCTGTAGCAGATGAGTCCA-3'

ClinVar aggregate classification (germline): Likely pathogenic (1 of 4 stars; one submission).

Conditions:
Familial hypobetalipoproteinemia 1. Also called: APOB-Related Familial Hypobetalipoproteinemia; Hypobetalipoproteinemia, normotriglyceridemic; Acanthocytosis with hypobetalipoproteinemia. Identifiers: MedGen C4551990, MONDO:0014252, OMIM 615558.
Hypercholesterolemia, autosomal dominant, type B (FHCL2). Also called: Familial Hypercholesterolemia Type B; APOLIPOPROTEIN B-100, FAMILIAL DEFECTIVE; APOLIPOPROTEIN B-100, FAMILIAL LIGAND-DEFECTIVE; HYPERCHOLESTEROLEMIA, FAMILIAL, DUE TO LIGAND-DEFECTIVE APOLIPOPROTEIN B; Familial hypercholesterolemia 2; Hyperlipoproteinemia Type IIb. Identifiers: MedGen C1704417, MONDO:0007751, OMIM 144010.

Submission:

Labcorp Genetics (formerly Invitae), Labcorp
Classification: Likely pathogenic for Familial hypobetalipoproteinemia 1; Hypercholesterolemia, autosomal dominant, type B. Last evaluated: 2021-10-28. Review status: criteria provided, single submitter. Criteria: Invitae Variant Classification Sherloc (09022015). Collection method: clinical testing. Allele origin: germline.
Comment: This sequence change affects a donor splice site in intron 22 of the APOB gene. It is expected to disrupt RNA splicing. Variants that disrupt the donor or acceptor splice site typically lead to a loss of protein function (PMID: 16199547), and loss-of-function variants in APOB are known to be pathogenic (PMID: 20032471). This variant is not present in population databases (gnomAD no frequency). This variant has not been reported in the literature in individuals affected with APOB-related conditions. Algorithms developed to predict the effect of sequence changes on RNA splicing suggest that this variant may disrupt the consensus splice site. In summary, the currently available evidence indicates that the variant is pathogenic, but additional data are needed to prove that conclusively. Therefore, this variant has been classified as Likely Pathogenic.

Literature cited by the submitters: PubMed 16199547; PubMed 20032471.